The following is an entry in ClinVar:

NM_016373.4(WWOX):c.596C>G (p.Ala199Gly)

Gene: WWOX (WW domain containing oxidoreductase; plus strand). Cytogenetic location: 16q23.1.
Variant type: single nucleotide variant.
Coding change: c.596C>G on transcript NM_016373.4 (MANE Select); coding-DNA position 596, C replaced by G.
Protein change: p.Ala199Gly; replaces alanine 199 with glycine.
Molecular consequence: missense variant.
Genome position (GRCh38, 1-based): chr16:78,386,939, C>G. VCF-style: chr16-78386939-C-G. GRCh37 (hg19) VCF-style: chr16-78420836-C-G.
Other names: c.257C>G, p.Ala86Gly (NM_001291997.2); short protein forms A199G, A86G.
Identifiers: ClinVar variation 643396 (VCV000643396.5), dbSNP rs890212192, ClinGen allele CA396843990.
Genomic context (GRCh38, chr16:78,386,939, plus strand): 5'-CAATGACCCTGGACCTCGCTCTGCTCCGTAGCGTGCAGCATTTTGCTGAAGCATTCAAGG[C>G]CAAGAATGTGTGAGTGTTCCAGTGGAGGGTTATAGATCATAATTTCTTGCTATTGTAATA-3'
Protein context (NP_057457.1, residues 189-209): SVQHFAEAFK[Ala199Gly]KNVPLHVLVC

ClinVar aggregate classification (germline): Uncertain significance. Review status: criteria provided, multiple submitters, no conflicts (2 of 4 stars). 2 submissions from 2 submitters: Uncertain significance (2). Last evaluated 2025-11-06.

Conditions:
Developmental and epileptic encephalopathy, 1 (DEE1). Also called: INFANTILE SPASM SYNDROME, X-LINKED 1; X-linked infantile spasms; West's syndrome; Tonic spasms with clustering, arrest of psychomotor development and hypsarrhythmia on EEG; X-Linked Infantile Spasm Syndrome; OHTAHARA SYNDROME, X-LINKED. Identifiers: MedGen C3463992, MONDO:0010632, OMIM 308350. Disease mechanism: loss of function.
Autosomal recessive spinocerebellar ataxia 12. Also called: SPINOCEREBELLAR ATAXIA WITH MENTAL RETARDATION AND EPILEPSY. Identifiers: Orphanet 284282, MedGen C3280452, MONDO:0013687, OMIM 614322.

gnomAD v4.1: 2 of 1,613,994 alleles (0.00012%); highest among the groups gnomAD compares: Non-Finnish European, 0.00017%; no homozygotes.

Submissions (2):

Women's Health and Genetics/Laboratory Corporation of America, LabCorp
Classification: Uncertain significance. Last evaluated: 2025-11-06. Review status: criteria provided, single submitter. Criteria: LabCorp Variant Classification Summary - May 2015. Collection method: clinical testing. Allele origin: germline.
Comment: Variant summary: WWOX c.596C>G (p.Ala199Gly) results in a non-conservative amino acid change in the encoded protein sequence. Algorithms developed to predict the effect of missense changes on protein structure and function are either unavailable or do not agree on the potential impact of this missense change. The variant was absent in 249354 control chromosomes. The available data on variant occurrences in the general population are insufficient to allow any conclusion about variant significance. To our knowledge, no occurrence of c.596C>G in individuals affected with WWOX-related conditions and no experimental evidence demonstrating its impact on protein function have been reported. ClinVar contains an entry for this variant (Variation ID: 643396). Based on the evidence outlined above, the variant was classified as uncertain significance.

Labcorp Genetics (formerly Invitae), Labcorp
Classification: Uncertain significance for Developmental and epileptic encephalopathy, 1; Autosomal recessive spinocerebellar ataxia 12. Last evaluated: 2022-07-26. Review status: criteria provided, single submitter. Criteria: Invitae Variant Classification Sherloc (09022015). Collection method: clinical testing. Allele origin: germline.
Comment: This sequence change replaces alanine, which is neutral and non-polar, with glycine, which is neutral and non-polar, at codon 199 of the WWOX protein (p.Ala199Gly). This variant is not present in population databases (gnomAD no frequency). This variant has not been reported in the literature in individuals affected with WWOX-related conditions. ClinVar contains an entry for this variant (Variation ID: 643396). Algorithms developed to predict the effect of missense changes on protein structure and function are either unavailable or do not agree on the potential impact of this missense change (SIFT: "Not Available"; PolyPhen-2: "Benign"; Align-GVGD: "Not Available"). In summary, the available evidence is currently insufficient to determine the role of this variant in disease. Therefore, it has been classified as a Variant of Uncertain Significance.